The following is an entry in ClinVar:

NM_002299.4(LCT):c.5346C>T (p.Asp1782=)

Gene: LCT (lactase; minus strand). Cytogenetic location: 2q21.3.
Variant type: single nucleotide variant.
Coding change: c.5346C>T on transcript NM_002299.4 (MANE Select); coding-DNA position 5346, C replaced by T.
Protein change: p.Asp1782=; no amino-acid change (aspartic acid 1782 retained).
Molecular consequence: synonymous variant.
Genome position (GRCh38, 1-based): chr2:135,789,788, G>A on the plus strand (C>T on the coding strand, the complement: LCT is on the minus strand). VCF-style: chr2-135789788-G-A. GRCh37 (hg19) VCF-style: chr2-136547358-G-A.
Other names: c.5346C>T (NM_002299.3).
Identifiers: ClinVar variation 1554533 (VCV001554533.10), dbSNP rs373488627, ClinGen allele CA1887625.
Genomic context (GRCh38, chr2:135,789,788, plus strand): 5'-TGTGGCCCACTCAAAATTGTCCATCGCACTCCAAACTGTGTATCCTCGAAGGTCCACCTT[G>A]TCCTGCACAGCTGCTCAAACACAGAGGACTAGGCATAAGTTTCCTATCTCATAAGGCAGC-3'
Protein context (NP_002290.2, residues 1772-1792): YINEALKAVQ[Asp1782=]KVDLRGYTVW

ClinVar aggregate classification (germline): Likely benign. Review status: criteria provided, single submitter (1 of 4 stars). 2 submissions from 2 submitters: Likely benign (1). 1 of the submissions does not count toward it. Last evaluated 2025-08-30.

Conditions:
LCT-related disorder. Also called: LCT-related condition.

Allele frequency attached by ClinVar (database versions not stated): ExAC 0.00002; gnomAD exomes 0.00002 and 0.00003; gnomAD 0.00006; TOPMed 0.00006; ESP Exome Variant Server 0.00008.
gnomAD v4.1: 48 of 1,613,534 alleles (0.003%); highest among the groups gnomAD compares: Non-Finnish European, 0.0041%; no homozygotes.

Submissions (2):

Labcorp Genetics (formerly Invitae), Labcorp
Classification: Likely benign. Last evaluated: 2025-08-30. Review status: criteria provided, single submitter. Criteria: Invitae Variant Classification Sherloc (09022015). Collection method: clinical testing. Allele origin: germline.

PreventionGenetics, part of Exact Sciences
Classification: Likely benign for LCT-related condition. Last evaluated: 2019-10-21. Review status: no assertion criteria provided. Collection method: clinical testing. Allele origin: germline. Not counted in ClinVar's aggregate classification.
Comment: This variant is classified as likely benign based on ACMG/AMP sequence variant interpretation guidelines (Richards et al. 2015 PMID: 25741868, with internal and published modifications).